The following is an entry in ClinVar:

ClinVar aggregate classification (germline): Pathogenic (1 of 4 stars; one submission).

Conditions:
Arrhythmogenic cardiomyopathy with wooly hair and keratoderma. Also called: Carvajal syndrome; PALMOPLANTAR KERATODERMA WITH LEFT VENTRICULAR CARDIOMYOPATHY AND WOOLLY HAIR; Dilated cardiomyopathy with woolly hair and keratoderma; Arrhythmogenic cardiomyopathy with woolly hair and keratoderma. Identifiers: Orphanet 65282, MedGen C1854063, MONDO:0011581, OMIM 605676.
Arrhythmogenic right ventricular dysplasia 8 (ARVD8). Also called: Arrhythmogenic Right Ventricular Dysplasia/Cardiomyopathy 8; ARRHYTHMOGENIC RIGHT VENTRICULAR DYSPLASIA, FAMILIAL, 8; ARRHYTHMOGENIC RIGHT VENTRICULAR CARDIOMYOPATHY 8. Identifiers: MedGen C1843896, MONDO:0011831, OMIM 607450.

Submission:

Labcorp Genetics (formerly Invitae), Labcorp
Classification: Pathogenic for Arrhythmogenic cardiomyopathy with wooly hair and keratoderma; Arrhythmogenic right ventricular dysplasia 8. Last evaluated: 2025-05-01. Review status: criteria provided, single submitter. Criteria: Invitae Variant Classification Sherloc (09022015). Collection method: clinical testing. Allele origin: germline.
Comment: This sequence change creates a premature translational stop signal (p.Gln1238*) in the DSP gene. It is expected to result in an absent or disrupted protein product. Loss-of-function variants in DSP are known to be pathogenic (PMID: 20716751, 24503780, 25227139). This variant is not present in population databases (gnomAD no frequency). This variant has not been reported in the literature in individuals affected with DSP-related conditions. For these reasons, this variant has been classified as Pathogenic.

Literature cited by the submitters: PubMed 20716751; PubMed 24503780; PubMed 25227139.

NM_004415.4(DSP):c.3712C>T (p.Gln1238Ter)

Gene: DSP (desmoplakin; plus strand). Cytogenetic location: 6p24.3.
Variant type: single nucleotide variant.
Coding change: c.3712C>T on transcript NM_004415.4 (MANE Select); coding-DNA position 3712, C replaced by T.
Protein change: p.Gln1238Ter; replaces glutamine 1238 with a stop codon.
Molecular consequence: nonsense. On other transcripts: intron variant (1).
Genome position (GRCh38, 1-based): chr6:7,579,902, C>T. VCF-style: chr6-7579902-C-T. GRCh37 (hg19) VCF-style: chr6-7580135-C-T.
Other names: c.3712C>T, p.Gln1238Ter (NM_001319034.2); c.3582+130C>T (NM_001008844.3); short protein forms Q1238*.
Identifiers: ClinVar variation 4784847 (VCV004784847.1).